The following is an entry in ClinVar:

ClinVar aggregate classification (germline): Uncertain significance (1 of 4 stars; one submission).

Conditions:
Hereditary cancer-predisposing syndrome. Also called: Neoplastic Syndromes, Hereditary; Tumor predisposition; Hereditary Cancer Syndrome; Hereditary neoplastic syndrome. Identifiers: Orphanet 140162, MedGen C0027672, MeSH D009386, MONDO:0015356.

Submission:

Ambry Genetics
Classification: Uncertain significance for Hereditary cancer-predisposing syndrome. Last evaluated: 2025-10-31. Review status: criteria provided, single submitter. Criteria: Ambry Variant Classification Scheme 2023. Collection method: clinical testing. Allele origin: germline.
Comment: The p.R683K variant (also known as c.2048G>A), located in coding exon 14 of the KIT gene, results from a G to A substitution at nucleotide position 2048. The arginine at codon 683 is replaced by lysine, an amino acid with highly similar properties. This amino acid position is highly conserved in available vertebrate species. In addition, the in silico prediction for this alteration is inconclusive. Based on the available evidence, the clinical significance of this variant remains unclear.

NM_000222.3(KIT):c.2048G>A (p.Arg683Lys)

Gene: KIT (KIT proto-oncogene, receptor tyrosine kinase; plus strand). Cytogenetic location: 4q12.
Variant type: single nucleotide variant.
Coding change: c.2048G>A on transcript NM_000222.3 (MANE Select); coding-DNA position 2048, G replaced by A.
Protein change: p.Arg683Lys; replaces arginine 683 with lysine.
Molecular consequence: missense variant.
Genome position (GRCh38, 1-based): chr4:54,729,392, G>A. VCF-style: chr4-54729392-G-A. GRCh37 (hg19) VCF-style: chr4-55595558-G-A.
Other names: c.2036G>A, p.Arg679Lys (NM_001093772.2, NM_001385286.1); c.2051G>A, p.Arg684Lys (NM_001385284.1, NM_001385290.1); c.2048G>A, p.Arg683Lys (NM_001385285.1); c.2039G>A, p.Arg680Lys (NM_001385288.1, NM_001385292.1); short protein forms R684K, R679K, R680K, R683K.
Identifiers: ClinVar variation 4644882 (VCV004644882.1).